The following is an entry in ClinVar:

NM_000548.5(TSC2):c.2894A>C (p.Glu965Ala)

Gene: TSC2 (TSC complex subunit 2; plus strand). Cytogenetic location: 16p13.3.
Variant type: single nucleotide variant.
Coding change: c.2894A>C on transcript NM_000548.5 (MANE Select); coding-DNA position 2894, A replaced by C.
Protein change: p.Glu965Ala; replaces glutamic acid 965 with alanine.
Molecular consequence: missense variant. On other transcripts: intron variant (9).
Genome position (GRCh38, 1-based): chr16:2,077,654, A>C. VCF-style: chr16-2077654-A-C. GRCh37 (hg19) VCF-style: chr16-2127655-A-C.
Other names: c.2894A>C, p.Glu965Ala (NM_001114382.3, NM_001406663.1, NM_001406664.1); c.2783A>C, p.Glu928Ala (NM_001406670.1); c.2747A>C, p.Glu916Ala (NM_001406675.1, NM_001406676.1); c.2294A>C, p.Glu765Ala (NM_001406680.1, NM_001406682.1, NM_001406683.1 and 1 more transcripts); c.1550A>C, p.Glu517Ala (NM_001406689.1); c.2837+1069A>C (NM_021055.3, NM_001370405.1, NM_001363528.2 and 2 more transcripts); c.2726+1069A>C (NM_001318827.2); c.2237+1069A>C (NM_001318831.2); and 2 more; short protein forms E928A, E916A, E517A, E765A, E965A.
Identifiers: ClinVar variation 1797330 (VCV001797330.2), dbSNP rs2543975417, ClinGen allele CA394281101.

ClinVar aggregate classification (germline): Uncertain significance (1 of 4 stars; one submission).

Conditions:
Hereditary cancer-predisposing syndrome. Also called: Tumor predisposition; Hereditary Cancer Syndrome; Neoplastic Syndromes, Hereditary; Hereditary neoplastic syndrome. Identifiers: Orphanet 140162, MedGen C0027672, MeSH D009386, MONDO:0015356.

Allele frequency attached by ClinVar (database versions not stated): gnomAD exomes below 0.00001.
gnomAD v4.1: 1 of 1,613,132 alleles (0.000062%); highest among the groups gnomAD compares: Non-Finnish European, 0.000085%; no homozygotes.

Submission:

Ambry Genetics
Classification: Uncertain significance for Hereditary cancer-predisposing syndrome. Last evaluated: 2021-01-26. Review status: criteria provided, single submitter. Criteria: Ambry Variant Classification Scheme 2023. Collection method: clinical testing. Allele origin: germline.
Comment: The p.E965A variant (also known as c.2894A>C), located in coding exon 25 of the TSC2 gene, results from an A to C substitution at nucleotide position 2894. The glutamic acid at codon 965 is replaced by alanine, an amino acid with dissimilar properties. This amino acid position is well conserved in available vertebrate species. In addition, this alteration is predicted to be deleterious by in silico analysis. Since supporting evidence is limited at this time, the clinical significance of this alteration remains unclear.